The following is an entry in ClinVar:

ClinVar aggregate classification (germline): Pathogenic (1 of 4 stars; one submission).

Conditions:
Early-infantile DEE. Also called: Early infantile epileptic encephalopathy with suppression bursts; Early infantile epileptic encephalopathy; Ohtahara syndrome. Identifiers: Orphanet 1934, MedGen C0393706, MONDO:0800491.

Submission:

Labcorp Genetics (formerly Invitae), Labcorp
Classification: Pathogenic for Early-infantile DEE. Last evaluated: 2023-10-18. Review status: criteria provided, single submitter. Criteria: Invitae Variant Classification Sherloc (09022015). Collection method: clinical testing. Allele origin: germline.
Comment: This sequence change replaces alanine, which is neutral and non-polar, with threonine, which is neutral and polar, at codon 343 of the KCNQ2 protein (p.Ala343Thr). This variant is not present in population databases (gnomAD no frequency). This missense change has been observed in individual(s) with clinical features of KCNQ2-related conditions (Invitae). In at least one individual the variant was observed to be de novo. ClinVar contains an entry for this variant (Variation ID: 1716319). Advanced modeling of protein sequence and biophysical properties (such as structural, functional, and spatial information, amino acid conservation, physicochemical variation, residue mobility, and thermodynamic stability) performed at Invitae indicates that this missense variant is expected to disrupt KCNQ2 protein function. For these reasons, this variant has been classified as Pathogenic.

NM_172107.4(KCNQ2):c.1027G>A (p.Ala343Thr)

Gene: KCNQ2 (potassium voltage-gated channel subfamily Q member 2; minus strand). Cytogenetic location: 20q13.33.
Variant type: single nucleotide variant.
Coding change: c.1027G>A on transcript NM_172107.4 (MANE Select); coding-DNA position 1027, G replaced by A.
Protein change: p.Ala343Thr; replaces alanine 343 with threonine.
Molecular consequence: missense variant.
Genome position (GRCh38, 1-based): chr20:63,433,900, C>T on the plus strand (G>A on the coding strand, the complement: KCNQ2 is on the minus strand). VCF-style: chr20-63433900-C-T. GRCh37 (hg19) VCF-style: chr20-62065253-C-T.
Other names: c.1027G>A, p.Ala343Thr (NM_001382235.1, NM_004518.6, NM_172106.3 and 2 more transcripts); short protein forms A343T.
Identifiers: ClinVar variation 1716319 (VCV001716319.5), dbSNP rs2516364978, ClinGen allele CA409651301.